The following is an entry in ClinVar:

NM_032607.3(CREB3L3):c.1259A>G (p.Asn420Ser)

Genes: CREB3L3 (cAMP responsive element binding protein 3 like 3; plus strand), LOC125371455 (Sharpr-MPRA regulatory region 11650; plus strand). Cytogenetic location: 19p13.3.
Variant type: single nucleotide variant.
Coding change: c.1259A>G on transcript NM_032607.3 (MANE Select); coding-DNA position 1259, A replaced by G.
Protein change: p.Asn420Ser; replaces asparagine 420 with serine.
Molecular consequence: missense variant. On other transcripts: 3 prime UTR variant (1).
Genome position (GRCh38, 1-based): chr19:4,171,842, A>G. VCF-style: chr19-4171842-A-G. GRCh37 (hg19) VCF-style: chr19-4171839-A-G.
Other names: c.1256A>G, p.Asn419Ser (NM_001271995.2); c.1253A>G, p.Asn418Ser (NM_001271996.2); c.*138A>G (NM_001271997.2); short protein forms N418S, N419S, N420S.
Identifiers: ClinVar variation 1956970 (VCV001956970.5), dbSNP rs1052403622, ClinGen allele CA304468883.

ClinVar aggregate classification (germline): Uncertain significance (1 of 4 stars; one submission).

Allele frequency attached by ClinVar (database versions not stated): gnomAD exomes below 0.00001; gnomAD 0.00001; TOPMed 0.00001.
gnomAD v4.1: 3 of 1,613,452 alleles (0.00019%); highest among the groups gnomAD compares: Non-Finnish European, 0.00025%; no homozygotes.

Submission:

Labcorp Genetics (formerly Invitae), Labcorp
Classification: Uncertain significance. Last evaluated: 2022-04-06. Review status: criteria provided, single submitter. Criteria: Invitae Variant Classification Sherloc (09022015). Collection method: clinical testing. Allele origin: germline.
Comment: In summary, the available evidence is currently insufficient to determine the role of this variant in disease. Therefore, it has been classified as a Variant of Uncertain Significance. Algorithms developed to predict the effect of missense changes on protein structure and function (SIFT, PolyPhen-2, Align-GVGD) all suggest that this variant is likely to be tolerated. This variant has not been reported in the literature in individuals affected with CREB3L3-related conditions. This variant is not present in population databases (gnomAD no frequency). This sequence change replaces asparagine, which is neutral and polar, with serine, which is neutral and polar, at codon 420 of the CREB3L3 protein (p.Asn420Ser).